The following is an entry in ClinVar:

ClinVar aggregate classification (germline): Uncertain significance. Review status: criteria provided, multiple submitters, no conflicts (2 of 4 stars). 10 submissions from 9 submitters: Uncertain significance (10). Last evaluated 2026-03-29.

Conditions:
Breast-ovarian cancer, familial, susceptibility to, 5 (BROVCA5). Identifiers: MedGen C5830615, MONDO:0957530, OMIM 620442.
Hereditary cancer-predisposing syndrome. Also called: Neoplastic Syndromes, Hereditary; Tumor predisposition; Hereditary neoplastic syndrome; Hereditary Cancer Syndrome. Identifiers: Orphanet 140162, MedGen C0027672, MeSH D009386, MONDO:0015356.
Familial cancer of breast. Also called: BREAST CANCER, FAMILIAL; Hereditary breast cancer; hereditary breast carcinoma. Identifiers: Orphanet 227535, MedGen C0346153, MONDO:0016419, OMIM 114480. Disease mechanism: loss of function.

Allele frequency attached by ClinVar (database versions not stated): ExAC 0.00001; gnomAD exomes below 0.00001 and 0.00001; gnomAD 0.00001; TOPMed 0.00001.
gnomAD v4.1: 8 of 1,613,886 alleles (0.0005%); highest among the groups gnomAD compares: East Asian, 0.0045%; no homozygotes.

Submissions (10):

Dasa
Classification: Uncertain significance. Last evaluated: 2026-03-29. Review status: criteria provided, single submitter. Criteria: DASA Assertion Criteria. Collection method: clinical testing. Allele origin: germline.
Comment: NM_024675.4(PALB2):c.3236C>T (p.Ala1079Val) is a missense variant that results in the substitution of alanine with valine. This variant is rare in population databases. The currently available literature and clinical evidence are not sufficient to establish a definitive association between this variant and the reported condition. Therefore, this variant is classified as a variant of uncertain significance.

Labcorp Genetics (formerly Invitae), Labcorp
Classification: Uncertain significance for Familial cancer of breast. Last evaluated: 2025-10-07. Review status: criteria provided, single submitter. Criteria: Invitae Variant Classification Sherloc (09022015). Collection method: clinical testing. Allele origin: germline.
Comment: This sequence change replaces alanine, which is neutral and non-polar, with valine, which is neutral and non-polar, at codon 1079 of the PALB2 protein (p.Ala1079Val). This variant is present in population databases (rs769342316, gnomAD 0.0009%). This variant has not been reported in the literature in individuals affected with PALB2-related conditions. ClinVar contains an entry for this variant (Variation ID: 460984). An algorithm developed to predict the effect of missense changes on protein structure and function (PolyPhen-2) suggests that this variant is likely to be disruptive. In summary, the available evidence is currently insufficient to determine the role of this variant in disease. Therefore, it has been classified as a Variant of Uncertain Significance.

Ambry Genetics
Classification: Uncertain significance for Hereditary cancer-predisposing syndrome. Last evaluated: 2025-06-18. Review status: criteria provided, single submitter. Criteria: Ambry Variant Classification Scheme 2023. Collection method: clinical testing. Allele origin: germline.
Comment: The p.A1079V variant (also known as c.3236C>T), located in coding exon 12 of the PALB2 gene, results from a C to T substitution at nucleotide position 3236. The alanine at codon 1079 is replaced by valine, an amino acid with similar properties. This alteration was not observed in unselected male breast cancer patients but was observed with an allele frequency of 0.0001 in 12490 male controls of Japanese ancestry. This variant was also identified in 2/12501 unselected Japanese colorectal cancer patients and in 2/23703 controls (Fujita M et al. Clin Gastroenterol Hepatol, 2022 Sep;20:2132-2141.e9). This amino acid position is not well conserved in available vertebrate species. In addition, this alteration is predicted to be tolerated by in silico analysis. Since supporting evidence is limited at this time, the clinical significance of this alteration remains unclear.

Women's Health and Genetics/Laboratory Corporation of America, LabCorp
Classification: Uncertain significance. Last evaluated: 2024-08-30. Review status: criteria provided, single submitter. Criteria: LabCorp Variant Classification Summary - May 2015. Collection method: clinical testing. Allele origin: germline.
Comment: Variant summary: PALB2 c.3236C>T (p.Ala1079Val) results in a non-conservative amino acid change located in the Partner and localiser of BRCA2, WD40 domain (IPR031920) of the encoded protein sequence. Three of five in-silico tools predict a damaging effect of the variant on protein function. The variant allele was found at a frequency of 4e-06 in 251472 control chromosomes. The available data on variant occurrences in the general population are insufficient to allow any conclusion about variant significance. c.3236C>T has been reported in the literature in individuals affected with colorectal cancer (Okawa_2023) as well as healthy controls (Fujita_2022, Momozawa_2018). These report(s) do not provide unequivocal conclusions about association of the variant with Hereditary Breast And Ovarian Cancer Syndrome. To our knowledge, no experimental evidence demonstrating an impact on protein function has been reported. The following publications have been ascertained in the context of this evaluation (PMID: 33309985, 30287823, 36243179). ClinVar contains an entry for this variant (Variation ID: 460984). Based on the evidence outlined above, the variant was classified as uncertain significance.

Quest Diagnostics Nichols Institute San Juan Capistrano
Classification: Uncertain significance. Last evaluated: 2023-10-30. Review status: criteria provided, single submitter. Criteria: Quest Diagnostics criteria. Collection method: clinical testing. Allele origin: unknown.
Comment: The PALB2 c.3236C>T (p.Ala1079Val) variant has been reported in the published literature in individuals with breast cancer (PMID: 33471991 (2021), see also LOVD), colorectal cancer (PMID: 33309985 (2020)), and prostate cancer (PMID: 36045058 (2023)). This variant has also been observed in healthy control individuals (PMIDs: 30287823 (2018), 33309985 (2020), 33471991 (2021)). The frequency of this variant in the general population, 0.0000088 (1/113748 chromosomes (Genome Aggregation Database)), is uninformative in the assessment of its pathogenicity. Analysis of this variant using bioinformatics tools for the prediction of the effect of amino acid changes on protein structure and function yielded conflicting predictions that this variant is benign or damaging. Based on the available information, we are unable to determine the clinical significance of this variant.

Color Diagnostics, LLC DBA Color Health
Classification: Uncertain significance for Hereditary cancer-predisposing syndrome. Last evaluated: 2023-10-04. Review status: criteria provided, single submitter. Criteria: ACMG Guidelines, 2015. Collection method: clinical testing. Allele origin: germline.
Comment: This missense variant replaces alanine with valine at codon 1079 of the PALB2 protein. Computational prediction suggests that this variant may not impact protein structure and function (internally defined REVEL score threshold <= 0.5, PMID: 27666373). To our knowledge, functional studies have not been reported for this variant. This variant has been detected in a breast cancer case-control meta-analysis in 3/60463 cases and 1/53461 unaffected individuals (PMID: 33471991; Leiden Open Variation Database DB-ID PALB2_010392) and in a separate breast cancer case-control study in two unaffected individuals and absent in 7051 female and 53 male breast cancer cases (PMID: 30287823). This variant also has been reported in a colorectal cancer case-control study in 2/12503 cases and 2/23705 unaffected individuals (PMID: 33309985) and in a pancreatic cancer case-control study in 2/23705 unaffected individuals and absent in 1005 cases (PMID: 32980694). This variant has been identified in 1/251472 chromosomes in the general population by the Genome Aggregation Database (gnomAD). The available evidence is insufficient to determine the role of this variant in disease conclusively. Therefore, this variant is classified as a Variant of Uncertain Significance.

Baylor Genetics
Classification: Uncertain significance for Familial cancer of breast. Last evaluated: 2023-09-13. Review status: criteria provided, single submitter. Criteria: ACMG Guidelines, 2015. Collection method: clinical testing. Allele origin: unknown.

KCCC/NGS Laboratory, Kuwait Cancer Control Center
Classification: Uncertain significance for Breast-ovarian cancer, familial, susceptibility to, 5. Last evaluated: 2023-07-07. Review status: criteria provided, single submitter. Criteria: ACMG Guidelines, 2015. Collection method: clinical testing. Allele origin: unknown. Affected: yes.
Comment: This sequence change replaces alanine with valine at codon 1079 of the PALB2 protein (p.Ala1079Val). The alanine residue is moderately conserved and there is a small physicochemical difference between alanine and valine. This variant is present in population databases (rs769342316, ExAC 0.001%). This variant has not been reported in the literature in individuals affected with PALB2-related conditions. ClinVar contains an entry for this variant (Variation ID: 460984). Algorithms developed to predict the effect of missense changes on protein structure and function are either unavailable or do not agree on the potential impact of this missense change (SIFT: "Tolerated"; PolyPhen-2: "Possibly Damaging"). In summary, the available evidence is currently insufficient to determine the role of this variant in disease. Therefore, it has been classified as a Variant of Uncertain Significance.

KCCC/NGS Laboratory, Kuwait Cancer Control Center
Classification: Uncertain significance for Familial cancer of breast. Last evaluated: 2023-07-05. Review status: criteria provided, single submitter. Criteria: ACMG Guidelines, 2015. Collection method: clinical testing. Allele origin: unknown. Inheritance: Autosomal dominant inheritance. Affected: yes. Observed: 1 heterozygote.
Comment: variant of uncertain significance was detected in the PALB2 gene (c.3236C>T).This sequence change replaces alanine with valine at codon 1079 of the PALB2 protein (p.Ala1079Val). The alanine residue is moderately conserved and there is a small physicochemical difference between alanine and valine. This variant is present in population databases (rs769342316, ExAC 0.001%). This variant has not been reported in the literature in individuals affected with PALB2-related conditions. ClinVar contains an entry for this variant (Variation ID: 460984). Algorithms developed to predict the effect of missense changes on protein structure and function are either unavailable or do not agree on the potential impact of this missense change (SIFT: "Tolerated"; PolyPhen-2: "Possibly Damaging"). In summary, the available evidence is currently insufficient to determine the role of this variant in disease. Therefore, it has been classified as a Variant of Uncertain Significance.

GeneDx
Classification: Uncertain significance. Last evaluated: 2022-06-10. Review status: criteria provided, single submitter. Criteria: GeneDx Variant Classification Process June 2021. Collection method: clinical testing. Allele origin: germline. Affected: yes.
Comment: Not observed at significant frequency in large population cohorts (gnomAD); In silico analysis supports that this missense variant has a deleterious effect on protein structure/function; Not observed in any breast cancer cases, but was observed in unaffected controls (Momozawa 2018); This variant is associated with the following publications: (PMID: 30287823, 24485656, 19609323, 20871615)

Literature cited by the submitters: PubMed 30287823 (cited by 4 submitters); PubMed 33309985 (cited by 4 submitters); PubMed 36243179 (cited by Women's Health and Genetics/Laboratory Corporation of America, LabCorp); PubMed 33471991 (cited by Quest Diagnostics Nichols Institute San Juan Capistrano and Color Diagnostics, LLC DBA Color Health); PubMed 36045058 (cited by Quest Diagnostics Nichols Institute San Juan Capistrano); PubMed 32980694 (cited by Color Diagnostics, LLC DBA Color Health).

NM_024675.4(PALB2):c.3236C>T (p.Ala1079Val)

Gene: PALB2 (partner and localizer of BRCA2; minus strand). Cytogenetic location: 16p12.2.
Variant type: single nucleotide variant.
Coding change: c.3236C>T on transcript NM_024675.4 (MANE Select); coding-DNA position 3236, C replaced by T.
Protein change: p.Ala1079Val; replaces alanine 1079 with valine.
Molecular consequence: missense variant.
Genome position (GRCh38, 1-based): chr16:23,607,978, G>A on the plus strand (C>T on the coding strand, the complement: PALB2 is on the minus strand). VCF-style: chr16-23607978-G-A. GRCh37 (hg19) VCF-style: chr16-23619299-G-A.
Other names: short protein forms A1079V.
Identifiers: ClinVar variation 460984 (VCV000460984.29), dbSNP rs769342316, ClinGen allele CA7963393.